The following is an entry in ClinVar:

ClinVar aggregate classification (germline): Uncertain significance (1 of 4 stars; one submission).

Allele frequency attached by ClinVar (database versions not stated): gnomAD exomes below 0.00001 and 0.00002; TOPMed 0.00002; gnomAD 0.00003.
gnomAD v4.1: 31 of 1,613,274 alleles (0.0019%); highest among the groups gnomAD compares: African/African-American, 0.004%; no homozygotes.

Submission:

Labcorp Genetics (formerly Invitae), Labcorp
Classification: Uncertain significance. Last evaluated: 2022-07-19. Review status: criteria provided, single submitter. Criteria: Invitae Variant Classification Sherloc (09022015). Collection method: clinical testing. Allele origin: germline.
Comment: In summary, the available evidence is currently insufficient to determine the role of this variant in disease. Therefore, it has been classified as a Variant of Uncertain Significance. Algorithms developed to predict the effect of missense changes on protein structure and function (SIFT, PolyPhen-2, Align-GVGD) all suggest that this variant is likely to be tolerated. ClinVar contains an entry for this variant (Variation ID: 1515648). This variant has not been reported in the literature in individuals affected with SNRNP200-related conditions. This variant is present in population databases (no rsID available, gnomAD 0.002%). This sequence change replaces isoleucine, which is neutral and non-polar, with valine, which is neutral and non-polar, at codon 784 of the SNRNP200 protein (p.Ile784Val).

NM_014014.5(SNRNP200):c.2350A>G (p.Ile784Val)

Gene: SNRNP200 (small nuclear ribonucleoprotein U5 subunit 200; minus strand). Cytogenetic location: 2q11.2.
Variant type: single nucleotide variant.
Coding change: c.2350A>G on transcript NM_014014.5 (MANE Select); coding-DNA position 2350, A replaced by G.
Protein change: p.Ile784Val; replaces isoleucine 784 with valine.
Molecular consequence: missense variant.
Genome position (GRCh38, 1-based): chr2:96,291,463, T>C on the plus strand (A>G on the coding strand, the complement: SNRNP200 is on the minus strand). VCF-style: chr2-96291463-T-C. GRCh37 (hg19) VCF-style: chr2-96957201-T-C.
Other names: short protein forms I784V.
Identifiers: ClinVar variation 1515648 (VCV001515648.6), dbSNP rs1469478286, ClinGen allele CA347677724.